The following is an entry in ClinVar:

NC_000017.10:g.(?_80403720)_(80407130_?)dup

Gene: CYBC1 (cytochrome b-245 chaperone 1; minus strand). Cytogenetic location: 17q25.3.
Variant type: Duplication.
Identifiers: ClinVar variation 2423508 (VCV002423508.4).

ClinVar aggregate classification (germline): Uncertain significance (1 of 4 stars; one submission).

Submission:

Labcorp Genetics (formerly Invitae), Labcorp
Classification: Uncertain significance. Last evaluated: 2021-04-08. Review status: criteria provided, single submitter. Criteria: Invitae Variant Classification Sherloc (09022015). Collection method: clinical testing. Allele origin: germline.
Comment: In summary, the available evidence is currently insufficient to determine the role of this variant in disease. Therefore, it has been classified as a Variant of Uncertain Significance. This variant has not been reported in the literature in individuals with C17orf62-related conditions. This variant results in a copy number gain of the genomic region encompassing exon(s) 2-5 of the C17orf62 gene. This region includes the initiator codon of the gene. The 5' end of this event is unknown as it extends beyond the assayed region for this gene and therefore may encompass additional genes. The 3' boundary is likely confined to intron 5 of the C17orf62 gene. As the precise location of this event is unknown, it may be in tandem or it may be located elsewhere in the genome.